The following is an entry in ClinVar:

ClinVar aggregate classification (germline): Uncertain significance (1 of 4 stars; one submission).

Submission:

Labcorp Genetics (formerly Invitae), Labcorp
Classification: Uncertain significance. Last evaluated: 2022-06-26. Review status: criteria provided, single submitter. Criteria: Invitae Variant Classification Sherloc (09022015). Collection method: clinical testing. Allele origin: germline.
Comment: This variant has not been reported in the literature in individuals affected with WFS1-related conditions. In summary, the available evidence is currently insufficient to determine the role of this variant in disease. Therefore, it has been classified as a Variant of Uncertain Significance. Advanced modeling of protein sequence and biophysical properties (such as structural, functional, and spatial information, amino acid conservation, physicochemical variation, residue mobility, and thermodynamic stability) performed at Invitae indicates that this missense variant is expected to disrupt WFS1 protein function. This variant is not present in population databases (gnomAD no frequency). This sequence change replaces tryptophan, which is neutral and slightly polar, with leucine, which is neutral and non-polar, at codon 700 of the WFS1 protein (p.Trp700Leu).

NM_006005.3(WFS1):c.2099G>T (p.Trp700Leu)

Gene: WFS1 (wolframin ER transmembrane glycoprotein; plus strand). Cytogenetic location: 4p16.1.
Variant type: single nucleotide variant.
Coding change: c.2099G>T on transcript NM_006005.3 (MANE Select); coding-DNA position 2099, G replaced by T.
Protein change: p.Trp700Leu; replaces tryptophan 700 with leucine.
Molecular consequence: missense variant.
Genome position (GRCh38, 1-based): chr4:6,301,894, G>T. VCF-style: chr4-6301894-G-T. GRCh37 (hg19) VCF-style: chr4-6303621-G-T.
Other names: c.2099G>T, p.Trp700Leu (NM_001145853.1); short protein forms W700L.
Identifiers: ClinVar variation 2133199 (VCV002133199.4), dbSNP rs372114182, ClinGen allele CA356177700.